The following is an entry in ClinVar:

ClinVar aggregate classification (germline): Benign. Review status: criteria provided, multiple submitters, no conflicts (2 of 4 stars). 2 submissions from 2 submitters: Benign (2). Last evaluated 2018-06-15.

Allele frequency attached by ClinVar (database versions not stated): TOPMed 0.16526; gnomAD 0.17188 and 0.17846; 1000 Genomes Project 30x 0.18598; 1000 Genomes Project 0.19649.
gnomAD v4.1: 297,319 of 1,469,662 alleles (20%); highest among the groups gnomAD compares: East Asian, 32%; 31,706 homozygotes.

Submissions (2):

GeneDx
Classification: Benign. Last evaluated: 2018-06-15. Review status: criteria provided, single submitter. Criteria: GeneDx Variant Classification (06012015). Collection method: clinical testing. Allele origin: germline. Affected: yes.
Comment: This variant is considered likely benign or benign based on one or more of the following criteria: it is a conservative change, it occurs at a poorly conserved position in the protein, it is predicted to be benign by multiple in silico algorithms, and/or has population frequency not consistent with disease.

Breakthrough Genomics
Classification: Benign. Review status: criteria provided, single submitter. Criteria: ACMG Guidelines, 2015. Collection method: not provided. Allele origin: germline. Inheritance: Autosomal dominant inheritance. Affected: yes.

NM_030662.4(MAP2K2):c.450+99A>G

Gene: MAP2K2 (mitogen-activated protein kinase kinase 2; minus strand). Cytogenetic location: 19p13.3.
Variant type: single nucleotide variant.
Coding change: c.450+99A>G on transcript NM_030662.4 (MANE Select); 99 bases into the intron after coding-DNA position 450, A replaced by G.
Molecular consequence: intron variant.
Genome position (GRCh38, 1-based): chr19:4,110,410, T>C on the plus strand (A>G on the coding strand, the complement: MAP2K2 is on the minus strand). VCF-style: chr19-4110410-T-C. GRCh37 (hg19) VCF-style: chr19-4110408-T-C.
Identifiers: ClinVar variation 561374 (VCV000561374.2), dbSNP rs12975436, ClinGen allele CA14668657.